The following is an entry in ClinVar:

NM_002467.6(MYC):c.77A>G (p.Asn26Ser)

Gene: MYC (MYC proto-oncogene, bHLH transcription factor; plus strand). Cytogenetic location: 8q24.21.
Variant type: single nucleotide variant.
Coding change: c.77A>G on transcript NM_002467.6 (MANE Select); coding-DNA position 77, A replaced by G.
Protein change: p.Asn26Ser; replaces asparagine 26 with serine.
Molecular consequence: missense variant.
Genome position (GRCh38, 1-based): chr8:127,738,294, A>G. VCF-style: chr8-127738294-A-G. GRCh37 (hg19) VCF-style: chr8-128750540-A-G.
Other names: c.74A>G, p.Asn25Ser (NM_001354870.1); c.77A>G (NM_002467.4); short protein forms N25S, N26S.
Identifiers: ClinVar variation 1679939 (VCV001679939.4), dbSNP rs4645959, ClinGen allele CA4875220.

ClinVar aggregate classification (germline): Uncertain significance. Review status: criteria provided, multiple submitters, no conflicts (2 of 4 stars). 3 submissions from 3 submitters: Uncertain significance (2). 1 of the submissions does not count toward it. Last evaluated 2021-10-01.

Conditions:
Classic Hodgkin lymphoma (CHL). Also called: Hodgkin lymphoma. Identifiers: Orphanet 391, MedGen C0019829, MONDO:0009348, OMIM 236000, HP:0012189.
MYC-related disorder. Also called: MYC-related condition.

Allele frequency attached by ClinVar (database versions not stated): 1000 Genomes Project 0.01518; 1000 Genomes Project 30x 0.01577; ESP Exome Variant Server 0.02891.

Submissions (3):

Pathology Department, Puerta del Mar University Hospital
Classification: Uncertain significance for Classic Hodgkin lymphoma. Last evaluated: 2021-10-01. Review status: criteria provided, single submitter. Criteria: PMID: 32934698. Collection method: research. Allele origin: somatic. Affected: yes.

Breakthrough Genomics
Classification: Uncertain significance. Review status: criteria provided, single submitter. Criteria: ACMG Guidelines, 2015. Collection method: not provided. Allele origin: germline. Inheritance: Autosomal recessive inheritance. Affected: yes.

PreventionGenetics, part of Exact Sciences
Classification: Benign for MYC-related condition. Last evaluated: 2019-11-18. Review status: no assertion criteria provided. Collection method: clinical testing. Allele origin: germline. Not counted in ClinVar's aggregate classification.
Comment: This variant is classified as benign based on ACMG/AMP sequence variant interpretation guidelines (Richards et al. 2015 PMID: 25741868, with internal and published modifications).